The following is an entry in ClinVar:

NM_014915.3(ANKRD26):c.487A>G (p.Thr163Ala)

Gene: ANKRD26 (ankyrin repeat domain 26; minus strand). Cytogenetic location: 10p12.1.
Variant type: single nucleotide variant.
Coding change: c.487A>G on transcript NM_014915.3 (MANE Select); coding-DNA position 487, A replaced by G.
Protein change: p.Thr163Ala; replaces threonine 163 with alanine.
Molecular consequence: missense variant.
Genome position (GRCh38, 1-based): chr10:27,093,393, T>C on the plus strand (A>G on the coding strand, the complement: ANKRD26 is on the minus strand). VCF-style: chr10-27093393-T-C. GRCh37 (hg19) VCF-style: chr10-27382322-T-C.
Other names: c.487A>G, p.Thr163Ala (NM_001256053.2); short protein forms T163A.
Identifiers: ClinVar variation 1922058 (VCV001922058.6), dbSNP rs2056362368, ClinGen allele CA376367802.

ClinVar aggregate classification (germline): Conflicting classifications of pathogenicity. Review status: criteria provided, conflicting classifications (1 of 4 stars). 2 submissions from 2 submitters: Uncertain significance (1); Likely benign (1). Last evaluated 2025-12-02.

Conditions:
Inborn genetic diseases. Identifiers: MedGen C0950123, MeSH D030342.

Allele frequency attached by ClinVar (database versions not stated): gnomAD exomes below 0.00001; gnomAD 0.00001.
gnomAD v4.1: 4 of 1,614,068 alleles (0.00025%); highest among the groups gnomAD compares: South Asian, 0.0011%; no homozygotes.

Submissions (2):

Ambry Genetics
Classification: Likely benign for Inborn genetic diseases. Last evaluated: 2025-12-02. Review status: criteria provided, single submitter. Criteria: Ambry Variant Classification Scheme 2023. Collection method: clinical testing. Allele origin: germline.

Labcorp Genetics (formerly Invitae), Labcorp
Classification: Uncertain significance. Last evaluated: 2024-11-11. Review status: criteria provided, single submitter. Criteria: Invitae Variant Classification Sherloc (09022015). Collection method: clinical testing. Allele origin: germline.
Comment: This sequence change replaces threonine, which is neutral and polar, with alanine, which is neutral and non-polar, at codon 163 of the ANKRD26 protein (p.Thr163Ala). This variant is not present in population databases (gnomAD no frequency). This variant has not been reported in the literature in individuals affected with ANKRD26-related conditions. ClinVar contains an entry for this variant (Variation ID: 1922058). An algorithm developed to predict the effect of missense changes on protein structure and function outputs the following: PolyPhen-2: "Benign". The alanine amino acid residue is found in multiple mammalian species, which suggests that this missense change does not adversely affect protein function. In summary, the available evidence is currently insufficient to determine the role of this variant in disease. Therefore, it has been classified as a Variant of Uncertain Significance.